The following is an entry in ClinVar:

ClinVar aggregate classification (germline): Likely benign. Review status: criteria provided, multiple submitters, no conflicts (2 of 4 stars). 2 submissions from 2 submitters: Likely benign (2). Last evaluated 2024-10-15.

Allele frequency attached by ClinVar (database versions not stated): gnomAD 0.00002 and 0.00003; ESP Exome Variant Server 0.00008.
gnomAD v4.1: 73 of 1,614,048 alleles (0.0045%); highest among the groups gnomAD compares: Non-Finnish European, 0.0062%; no homozygotes.

Submissions (2):

Labcorp Genetics (formerly Invitae), Labcorp
Classification: Likely benign. Last evaluated: 2024-10-15. Review status: criteria provided, single submitter. Criteria: Invitae Variant Classification Sherloc (09022015). Collection method: clinical testing. Allele origin: germline.

CeGaT Center for Human Genetics Tuebingen
Classification: Likely benign. Last evaluated: 2024-10-01. Review status: criteria provided, single submitter. Criteria: CeGaT Center For Human Genetics Tuebingen Variant Classification Criteria Version 2. Collection method: clinical testing. Allele origin: germline. Affected: yes. Observed: 1 variant allele.
Comment: PDYN: BP4, BP7

NM_024411.5(PDYN):c.162G>A (p.Leu54=)

Genes: PDYN (prodynorphin; minus strand), PDYN-AS1 (PDYN antisense RNA 1; plus strand). Cytogenetic location: 20p13.
Variant type: single nucleotide variant.
Coding change: c.162G>A on transcript NM_024411.5 (MANE Select); coding-DNA position 162, G replaced by A.
Protein change: p.Leu54=; no amino-acid change (leucine 54 retained).
Molecular consequence: synonymous variant.
Genome position (GRCh38, 1-based): chr20:1,980,926, C>T on the plus strand (G>A on the coding strand, the complement: PDYN is on the minus strand). VCF-style: chr20-1980926-C-T. GRCh37 (hg19) VCF-style: chr20-1961572-C-T.
Other names: c.162G>A, p.Leu54= (NM_001190892.1, NM_001190898.3, NM_001190899.2 and 1 more transcripts).
Identifiers: ClinVar variation 1628430 (VCV001628430.22), dbSNP rs368889501, ClinGen allele CA9730344.